The following is an entry in ClinVar:

ClinVar aggregate classification (germline): Uncertain significance. Review status: criteria provided, multiple submitters, no conflicts (2 of 4 stars). 2 submissions from 2 submitters: Uncertain significance (2). Last evaluated 2025-08-07.

Conditions:
Nemaline myopathy 9 (NEM9). Identifiers: MedGen C3810384, MONDO:0014326, OMIM 615731.
Inborn genetic diseases. Identifiers: MedGen C0950123, MeSH D030342.

Allele frequency attached by ClinVar (database versions not stated): gnomAD 0.00001.

Submissions (2):

Ambry Genetics
Classification: Uncertain significance for Inborn genetic diseases. Last evaluated: 2025-08-07. Review status: criteria provided, single submitter. Criteria: Ambry Variant Classification Scheme 2023. Collection method: clinical testing. Allele origin: germline.

Labcorp Genetics (formerly Invitae), Labcorp
Classification: Uncertain significance for Nemaline myopathy 9. Last evaluated: 2021-11-02. Review status: criteria provided, single submitter. Criteria: Invitae Variant Classification Sherloc (09022015). Collection method: clinical testing. Allele origin: germline.
Comment: In summary, the available evidence is currently insufficient to determine the role of this variant in disease. Therefore, it has been classified as a Variant of Uncertain Significance. Algorithms developed to predict the effect of missense changes on protein structure and function (SIFT, PolyPhen-2, Align-GVGD) all suggest that this variant is likely to be disruptive. This variant has not been reported in the literature in individuals affected with KLHL41-related conditions. This variant is not present in population databases (gnomAD no frequency). This sequence change replaces proline, which is neutral and non-polar, with threonine, which is neutral and polar, at codon 383 of the KLHL41 protein (p.Pro383Thr).

NM_006063.3(KLHL41):c.1147C>A (p.Pro383Thr)

Gene: KLHL41 (kelch like family member 41; plus strand). Cytogenetic location: 2q31.1.
Variant type: single nucleotide variant.
Coding change: c.1147C>A on transcript NM_006063.3 (MANE Select); coding-DNA position 1147, C replaced by A.
Protein change: p.Pro383Thr; replaces proline 383 with threonine.
Molecular consequence: missense variant.
Genome position (GRCh38, 1-based): chr2:169,514,610, C>A. VCF-style: chr2-169514610-C-A. GRCh37 (hg19) VCF-style: chr2-170371120-C-A.
Other names: c.1147C>A (NM_006063.2); short protein forms P383T.
Identifiers: ClinVar variation 1425685 (VCV001425685.6), dbSNP rs760973350, ClinGen allele CA59945229.
Genomic context (GRCh38, chr2:169,514,610, plus strand): 5'-ATCTCTCATATATGTTTTTTTCAGCTCGATAGCATAGCATCTGAATGGGTTGGACTTCCA[C>A]CTCTGCCTTCAGCCAGGTGTCTCTTCGGTCTGGGAGAGGTGGATGATAAAATCTATGTAG-3'
Protein context (NP_006054.2, residues 373-393): SIASEWVGLP[Pro383Thr]LPSARCLFGL